The following is an entry in ClinVar:

ClinVar aggregate classification (germline): Likely benign. Review status: criteria provided, multiple submitters, no conflicts (2 of 4 stars). 2 submissions from 2 submitters: Likely benign (2). Last evaluated 2026-05-01.

Allele frequency attached by ClinVar (database versions not stated): gnomAD 0.00001.
gnomAD v4.1: 14 of 1,613,972 alleles (0.00087%); highest among the groups gnomAD compares: Admixed American, 0.012%; no homozygotes.

Submissions (2):

CeGaT Center for Human Genetics Tuebingen
Classification: Likely benign. Last evaluated: 2026-05-01. Review status: criteria provided, single submitter. Criteria: CeGaT Center For Human Genetics Tuebingen Variant Classification Criteria Version 2. Collection method: clinical testing. Allele origin: germline. Affected: yes. Observed: 1 variant allele.
Comment: TRRAP: BP4, BP7

Labcorp Genetics (formerly Invitae), Labcorp
Classification: Likely benign. Last evaluated: 2026-01-27. Review status: criteria provided, single submitter. Criteria: Invitae Variant Classification Sherloc (09022015). Collection method: clinical testing. Allele origin: germline.

NM_001375524.1(TRRAP):c.9108G>A (p.Ala3036=)

Gene: TRRAP (transformation/transcription domain associated protein; plus strand). Cytogenetic location: 7q22.1.
Variant type: single nucleotide variant.
Coding change: c.9108G>A on transcript NM_001375524.1 (MANE Select); coding-DNA position 9108, G replaced by A.
Protein change: p.Ala3036=; no amino-acid change (alanine 3036 retained).
Molecular consequence: synonymous variant.
Genome position (GRCh38, 1-based): chr7:98,984,178, G>A. VCF-style: chr7-98984178-G-A. GRCh37 (hg19) VCF-style: chr7-98581801-G-A.
Other names: c.9120G>A, p.Ala3040= (NM_001244580.2); c.9033G>A, p.Ala3011= (NM_003496.4).
Identifiers: ClinVar variation 2155945 (VCV002155945.6), dbSNP rs746931138, ClinGen allele CA4361634.
Genomic context (GRCh38, chr7:98,984,178, plus strand): 5'-CTCTCAGCATGATCCCAGTTCAAATAACGCTATGCTTGGGGTTCATGCATCAGCTTCAGC[G>A]ATCATCCAGTATGGAAAAATCGCCCGGAAACAAGGACTGGTCAATGTAGCTCTGGATATA-3'
Protein context (NP_001362453.1, residues 3026-3046): AMLGVHASAS[Ala3036=]IIQYGKIARK